The following is an entry in ClinVar:

ClinVar aggregate classification (germline): Uncertain significance (1 of 4 stars; one submission).

Submission:

GeneDx
Classification: Uncertain significance. Last evaluated: 2023-07-26. Review status: criteria provided, single submitter. Criteria: GeneDx Variant Classification Process June 2021. Collection method: clinical testing. Allele origin: germline. Affected: yes.
Comment: Not observed at significant frequency in large population cohorts (gnomAD); In silico analysis supports that this missense variant has a deleterious effect on protein structure/function; Has not been previously published as pathogenic or benign to our knowledge; This variant is associated with the following publications: (PMID: 29493581)

NM_007373.4(SHOC2):c.808C>T (p.His270Tyr)

Gene: SHOC2 (SHOC2 leucine rich repeat scaffold protein; plus strand). Cytogenetic location: 10q25.2.
Variant type: single nucleotide variant.
Coding change: c.808C>T on transcript NM_007373.4 (MANE Select); coding-DNA position 808, C replaced by T.
Protein change: p.His270Tyr; replaces histidine 270 with tyrosine.
Molecular consequence: missense variant. On other transcripts: non-coding transcript variant (1), intron variant (1).
Genome position (GRCh38, 1-based): chr10:110,985,732, C>T. VCF-style: chr10-110985732-C-T. GRCh37 (hg19) VCF-style: chr10-112745490-C-T.
Other names: c.808C>T, p.His270Tyr (NM_001324336.2, NM_001324337.2); c.704-14683C>T (NM_001269039.3); short protein forms H270Y.
Identifiers: ClinVar variation 3361678 (VCV003361678.1).